The following is an entry in ClinVar:

ClinVar aggregate classification (germline): Likely benign (1 of 4 stars; one submission).

Allele frequency attached by ClinVar (database versions not stated): TOPMed 0.00442; 1000 Genomes Project 0.00579; 1000 Genomes Project 30x 0.00687.

Submission:

GeneDx
Classification: Likely benign. Last evaluated: 2021-12-24. Review status: criteria provided, single submitter. Criteria: GeneDx Variant Classification Process June 2021. Collection method: clinical testing. Allele origin: germline. Affected: yes.
Comment: See Variant Classification Assertion Criteria.

NM_000718.4(CACNA1B):c.1657-234G>T

Gene: CACNA1B (calcium voltage-gated channel subunit alpha1 B; plus strand). Cytogenetic location: 9q34.3.
Variant type: single nucleotide variant.
Coding change: c.1657-234G>T on transcript NM_000718.4 (MANE Select); 234 bases into the intron before coding-DNA position 1657, G replaced by T.
Molecular consequence: intron variant.
Genome position (GRCh38, 1-based): chr9:137,983,904, G>T. VCF-style: chr9-137983904-G-T. GRCh37 (hg19) VCF-style: chr9-140878356-G-T.
Other names: c.1657-234G>T (NM_001243812.2).
Identifiers: ClinVar variation 1708907 (VCV001708907.2), dbSNP rs115152357, ClinGen allele CA201843147.